The following is an entry in ClinVar:

NM_001077365.2(POMT1):c.120G>C (p.Val40=)

Gene: POMT1 (protein O-mannosyltransferase 1; plus strand). Cytogenetic location: 9q34.13.
Variant type: single nucleotide variant.
Coding change: c.120G>C on transcript NM_001077365.2 (MANE Select); coding-DNA position 120, G replaced by C.
Protein change: p.Val40=; no amino-acid change (valine 40 retained).
Molecular consequence: synonymous variant. On other transcripts: 5 prime UTR variant (4), non-coding transcript variant (4), intron variant (10).
Genome position (GRCh38, 1-based): chr9:131,504,338, G>C. VCF-style: chr9-131504338-G-C. GRCh37 (hg19) VCF-style: chr9-134379725-G-C.
Other names: c.120G>C, p.Val40= (NM_001136113.2, NM_001353193.2, NM_001353196.2 and 2 more transcripts); c.-125G>C (NM_001353195.2); c.-352G>C (NM_001353198.2); c.-74G>C (NM_001374692.1); c.-32G>C (NM_001374695.1); c.-41+1025G>C (NM_001353194.2); c.-72+1025G>C (NM_001374691.1); c.-41+1265G>C (NM_001374689.1, NM_001353197.2, NM_001077366.2 and 1 more transcripts); and 3 more.
Identifiers: ClinVar variation 3048283 (VCV003048283.2), dbSNP rs1945250983, ClinGen allele CA467421604.

ClinVar aggregate classification (germline): Likely benign (0 of 4 stars; one submission).

Conditions:
POMT1-related disorder. Also called: POMT1-related disorders; POMT1-related condition.

Submission:

PreventionGenetics, part of Exact Sciences
Classification: Likely benign for POMT1-related condition. Last evaluated: 2023-02-24. Review status: no assertion criteria provided. Collection method: clinical testing. Allele origin: germline.
Comment: This variant is classified as likely benign based on ACMG/AMP sequence variant interpretation guidelines (Richards et al. 2015 PMID: 25741868, with internal and published modifications).